The following is an entry in ClinVar:

ClinVar aggregate classification (germline): Likely benign (1 of 4 stars; one submission).

Submission:

CeGaT Center for Human Genetics Tuebingen
Classification: Likely benign. Last evaluated: 2024-08-01. Review status: criteria provided, single submitter. Criteria: CeGaT Center For Human Genetics Tuebingen Variant Classification Criteria Version 2. Collection method: clinical testing. Allele origin: germline. Affected: yes. Observed: 1 variant allele.
Comment: RNASEH2B: PM2:Supporting, BP4, BP7

NM_001142279.2(RNASEH2B):c.741+10012G>A

Gene: RNASEH2B (ribonuclease H2 subunit B; plus strand). Cytogenetic location: 13q14.3.
Variant type: single nucleotide variant.
Coding change: c.741+10012G>A on transcript NM_001142279.2; 10012 bases into the intron after coding-DNA position 741, G replaced by A.
Molecular consequence: intron variant.
Genome position (GRCh38, 1-based): chr13:50,959,517, G>A. VCF-style: chr13-50959517-G-A. GRCh37 (hg19) VCF-style: chr13-51533653-G-A.
Other names: c.742-628G>A (NM_001411023.1).
Identifiers: ClinVar variation 3250931 (VCV003250931.17), dbSNP rs2541552754.